The following is an entry in ClinVar:

ClinVar aggregate classification (germline): Uncertain significance (1 of 4 stars; one submission).

Conditions:
Developmental and epileptic encephalopathy. Identifiers: MedGen C5779964, MONDO:0100620.

gnomAD v4.1: 1 of 1,614,004 alleles (0.000062%); highest among the groups gnomAD compares: Admixed American, 0.0017%; no homozygotes.

Submission:

Unidad de Genómica Garrahan, Hospital de Pediatría Garrahan
Classification: Uncertain significance for Developmental and epileptic encephalopathy. Last evaluated: 2023-01-01. Review status: criteria provided, single submitter. Criteria: ACMG Guidelines, 2015. Collection method: clinical testing. Allele origin: paternal. Affected: yes. Observed: 1 variant allele.
Comment: ACMG/AMP criteria applied: PM2, PP3. Incomplete penetrance described.

NM_172362.3(KCNH1):c.776T>C (p.Val259Ala)

Gene: KCNH1 (potassium voltage-gated channel subfamily H member 1; minus strand). Cytogenetic location: 1q32.2.
Variant type: single nucleotide variant.
Coding change: c.776T>C on transcript NM_172362.3 (MANE Select); coding-DNA position 776, T replaced by C.
Protein change: p.Val259Ala; replaces valine 259 with alanine.
Molecular consequence: missense variant.
Genome position (GRCh38, 1-based): chr1:211,019,039, A>G on the plus strand (T>C on the coding strand, the complement: KCNH1 is on the minus strand). VCF-style: chr1-211019039-A-G. GRCh37 (hg19) VCF-style: chr1-211192381-A-G.
Other names: NP_758872.1:p.(Val259Ala); c.776T>C, p.Val259Ala (NM_002238.4); short protein forms V259A.
Identifiers: ClinVar variation 4851538 (VCV004851538.1).